The following is an entry in ClinVar:

ClinVar aggregate classification (germline): Uncertain significance. Review status: criteria provided, single submitter (1 of 4 stars). 2 submissions from 2 submitters: Uncertain significance (1). 1 of the submissions does not count toward it.

Conditions:
Charcot-Marie-Tooth disease X-linked dominant 1. Also called: Charcot-Marie-Tooth Neuropathy X Type 1; X-linked Charcot-Marie-Tooth disease type 1; GJB1 Disorders: Charcot-Marie-Tooth Neuropathy (CMT1X) and Central Nervous System Phenotypes; CHARCOT-MARIE-TOOTH NEUROPATHY, X-LINKED, 1; CHARCOT-MARIE-TOOTH PERONEAL MUSCULAR ATROPHY, X-LINKED; HEREDITARY MOTOR AND SENSORY NEUROPATHY, X-LINKED. Identifiers: Orphanet 101075, MedGen C0393808, MONDO:0010549, OMIM 302800.
Charcot-Marie-Tooth disease. Also called: Charcot-Marie-Tooth Hereditary Neuropathy; Charcot-Marie-Tooth Neuropathy. Identifiers: Orphanet 166, MedGen C0007959, MONDO:0015626.

Submissions (2):

Neuberg Centre For Genomic Medicine, NCGM
Classification: Uncertain significance for Charcot-Marie-Tooth disease X-linked dominant 1. Review status: criteria provided, single submitter. Criteria: ACMG Guidelines, 2015. Collection method: clinical testing. Allele origin: germline. Affected: yes.
Comment: The variant has been submitted to ClinVar as uncertain significance. The p.T86A variant is novel (not in any individuals) in gnomAD Exomes and is novel (not in any individuals) in 1000 Genomes. The p.T86A missense variant is predicted to be damaging by both SIFT and PolyPhen2. The threonine residue at codon 86 of GJB1 is conserved in all mammalian species. The nucleotide c.256 in GJB1 is predicted conserved by GERP++ and PhyloP across 100 vertebrates. For these reasons, this variant has been classified as Uncertain Significance.

Inherited Neuropathy Consortium
Classification: Uncertain significance for Charcot-Marie-Tooth disease. Review status: no assertion criteria provided. Collection method: literature only. Allele origin: germline. Affected: yes. Not counted in ClinVar's aggregate classification.

Literature cited by the submitters: PubMed 9452099 (cited by Inherited Neuropathy Consortium).

NM_000166.6(GJB1):c.256A>G (p.Thr86Ala)

Gene: GJB1 (gap junction protein beta 1; plus strand). Cytogenetic location: Xq13.1.
Variant type: single nucleotide variant.
Coding change: c.256A>G on transcript NM_000166.6 (MANE Select); coding-DNA position 256, A replaced by G.
Protein change: p.Thr86Ala; replaces threonine 86 with alanine.
Molecular consequence: missense variant.
Genome position (GRCh38, 1-based): chrX:71,223,963, A>G. VCF-style: chrX-71223963-A-G. GRCh37 (hg19) VCF-style: chrX-70443813-A-G.
Other names: c.256A>G, p.Thr86Ala (NM_001097642.3); short protein forms T86A.
Identifiers: ClinVar variation 637674 (VCV000637674.3), dbSNP rs1602349014, ClinGen allele CA413501675.
Genomic context (GRCh38, chrX:71,223,963, plus strand): 5'-GACCAATTCTTCCCCATCTCCCATGTGCGGCTGTGGTCCCTGCAGCTCATCCTAGTTTCC[A>G]CCCCAGCTCTCCTCGTGGCCATGCACGTGGCTCACCAGCAACACATAGAGAAGAAAATGC-3'
Protein context (NP_000157.1, residues 76-96): LWSLQLILVS[Thr86Ala]PALLVAMHVA